The following is an entry in ClinVar:

ClinVar aggregate classification (germline): Likely benign (1 of 4 stars; one submission).

Conditions:
VPS13B-related disorder. Also called: VPS13B-related condition.

Submission:

PreventionGenetics, part of Exact Sciences
Classification: Likely benign for VPS13B-related condition. Last evaluated: 2026-05-10. Review status: criteria provided, single submitter. Criteria: ACMG Guidelines, 2015. Collection method: clinical testing. Allele origin: germline.
Comment: This variant is classified as likely benign based on ACMG/AMP sequence variant interpretation guidelines (Richards et al. 2015 PMID: 25741868, with internal and published modifications).

NC_000008.11:g.100383243C>T

Gene: VPS13B (vacuolar protein sorting 13 homolog B; plus strand). Cytogenetic location: 8q22.2.
Variant type: single nucleotide variant.
Genome position: GRCh38 VCF-style: chr8-100383243-C-T. GRCh37 (hg19) VCF-style: chr8-101395471-C-T.
Identifiers: ClinVar variation 4994763 (VCV004994763.1).